The following is an entry in ClinVar:

NM_182760.4(SUMF1):c.339dup (p.Ala114fs)

Gene: SUMF1 (sulfatase modifying factor 1; minus strand). Cytogenetic location: 3p26.1.
Variant type: Duplication.
Coding change: c.339dup on transcript NM_182760.4 (MANE Select); coding-DNA position 339, one base duplicated (A; older notation c.339dupA).
Protein change: p.Ala114fs; shifts the reading frame from alanine 114.
Molecular consequence: frameshift variant.
Genome position (GRCh38, 1-based): chr3:4,452,981, T duplicated on the plus strand (A on the coding strand, the reverse complement: SUMF1 is on the minus strand); the first of 2 consecutive T bases (chr3:4,452,981-4,452,982); duplicating either gives the same sequence. VCF-style (leftmost placement, unchanged base first): chr3-4452980-C-CT. GRCh37 (hg19) VCF-style: chr3-4494664-C-CT.
Other names: c.339dup, p.Ala114fs (NM_001164674.2, NM_001164675.2); short protein forms A114fs.
Identifiers: ClinVar variation 847449 (VCV000847449.6), dbSNP rs1703025184, ClinGen allele CA916082558.
Genomic context (GRCh38, chr3:4,452,980, plus strand): 5'-TATTACTGACTTCATAGGCATCCATGTAAAAGGCATCAATAGTAACTCTCCTCGCAGGTG[C>CT]TTCCCCATCCTGCTTTATCTGAGGATCATCTGTGCCCATTGTAAATACTCCAGCAGGGAT-3'

ClinVar aggregate classification (germline): Pathogenic (1 of 4 stars; one submission).

Conditions:
Multiple sulfatase deficiency (MSD). Also called: Multiple Sulfatase Deficiency Disease; Sulfatidosis, Juvenile, Austin Type; Mucosulfatidosis. Identifiers: Orphanet 585, MedGen C0268263, MONDO:0010088, OMIM 272200.

Submission:

Labcorp Genetics (formerly Invitae), Labcorp
Classification: Pathogenic for Multiple sulfatase deficiency. Last evaluated: 2022-10-03. Review status: criteria provided, single submitter. Criteria: Invitae Variant Classification Sherloc (09022015). Collection method: clinical testing. Allele origin: germline.
Comment: For these reasons, this variant has been classified as Pathogenic. ClinVar contains an entry for this variant (Variation ID: 847449). This variant has not been reported in the literature in individuals affected with SUMF1-related conditions. This variant is not present in population databases (gnomAD no frequency). This sequence change creates a premature translational stop signal (p.Ala114Serfs*9) in the SUMF1 gene. It is expected to result in an absent or disrupted protein product. Loss-of-function variants in SUMF1 are known to be pathogenic (PMID: 12757705, 12757706, 25885655).

Literature cited by the submitters: PubMed 12757705; PubMed 12757706; PubMed 25885655.